The following is an entry in ClinVar:

NM_000384.3(APOB):c.5983G>A (p.Asp1995Asn)

Gene: APOB (apolipoprotein B; minus strand). Cytogenetic location: 2p24.1.
Variant type: single nucleotide variant.
Coding change: c.5983G>A on transcript NM_000384.3 (MANE Select); coding-DNA position 5983, G replaced by A.
Protein change: p.Asp1995Asn; replaces aspartic acid 1995 with asparagine.
Molecular consequence: missense variant.
Genome position (GRCh38, 1-based): chr2:21,010,885, C>T on the plus strand (G>A on the coding strand, the complement: APOB is on the minus strand). VCF-style: chr2-21010885-C-T. GRCh37 (hg19) VCF-style: chr2-21233757-C-T.
Other names: short protein forms D1995N.
Identifiers: ClinVar variation 630675 (VCV000630675.6), dbSNP rs917338225, ClinGen allele CA43505970.

ClinVar aggregate classification (germline): Uncertain significance. Review status: criteria provided, multiple submitters, no conflicts (2 of 4 stars). 2 submissions from 2 submitters: Uncertain significance (2). Last evaluated 2026-04-09.

Conditions:
Cardiovascular phenotype. Identifiers: MedGen CN230736.
Hypercholesterolemia, autosomal dominant, type B (FHCL2). Also called: Familial Hypercholesterolemia Type B; APOB-Related Familial Hypercholesterolemia, Autosomal Dominant; Familial hypercholesterolemia 2; APOLIPOPROTEIN B-100, FAMILIAL DEFECTIVE; APOLIPOPROTEIN B-100, FAMILIAL LIGAND-DEFECTIVE; HYPERCHOLESTEROLEMIA, FAMILIAL, DUE TO LIGAND-DEFECTIVE APOLIPOPROTEIN B. Identifiers: MedGen C1704417, MONDO:0007751, OMIM 144010.
Familial hypobetalipoproteinemia 1. Also called: APOB-Related Familial Hypobetalipoproteinemia; Hypobetalipoproteinemia, normotriglyceridemic; Acanthocytosis with hypobetalipoproteinemia. Identifiers: MedGen C4551990, MONDO:0014252, OMIM 615558.

Allele frequency attached by ClinVar (database versions not stated): gnomAD exomes below 0.00001; gnomAD 0.00001; TOPMed below 0.00001.
gnomAD v4.1: 3 of 1,613,970 alleles (0.00019%); highest among the groups gnomAD compares: Non-Finnish European, 0.00025%; no homozygotes.

Submissions (2):

Ambry Genetics
Classification: Uncertain significance for Cardiovascular phenotype. Last evaluated: 2026-04-09. Review status: criteria provided, single submitter. Criteria: Ambry Variant Classification Scheme 2023. Collection method: clinical testing. Allele origin: germline.
Comment: The p.D1995N variant (also known as c.5983G>A), located in coding exon 26 of the APOB gene, results from a G to A substitution at nucleotide position 5983. The aspartic acid at codon 1995 is replaced by asparagine, an amino acid with highly similar properties. This amino acid position is conserved. In addition, this alteration is predicted to be tolerated by in silico analysis. Based on the available evidence, the clinical significance of this variant remains unclear.

Fulgent Genetics
Classification: Uncertain significance for Hypercholesterolemia, autosomal dominant, type B; Familial hypobetalipoproteinemia 1. Last evaluated: 2021-07-22. Review status: criteria provided, single submitter. Criteria: ACMG Guidelines, 2015. Collection method: clinical testing. Allele origin: unknown.